The following is an entry in ClinVar:

ClinVar aggregate classification (germline): Likely pathogenic (1 of 4 stars; one submission).

Conditions:
Mucopolysaccharidosis, MPS-IV-A (MPS4A). Also called: Morquio syndrome A, mild; MORQUIO SYNDROME A; GALACTOSAMINE-6-SULFATASE DEFICIENCY; GALNS DEFICIENCY; MORQUIO A DISEASE; Mucopolysaccharidosis type IV A. Identifiers: Orphanet 309297, Orphanet 582, MedGen C0086651, MONDO:0009659, OMIM 253000.

Allele frequency attached by ClinVar (database versions not stated): ESP Exome Variant Server 0.00008.

Submission:

Labcorp Genetics (formerly Invitae), Labcorp
Classification: Likely pathogenic for Mucopolysaccharidosis, MPS-IV-A. Last evaluated: 2023-11-07. Review status: criteria provided, single submitter. Criteria: Invitae Variant Classification Sherloc (09022015). Collection method: clinical testing. Allele origin: germline.
Comment: This sequence change replaces proline, which is neutral and non-polar, with serine, which is neutral and polar, at codon 125 of the GALNS protein (p.Pro125Ser). This variant is not present in population databases (gnomAD no frequency). This variant has not been reported in the literature in individuals affected with GALNS-related conditions. Advanced modeling of protein sequence and biophysical properties (such as structural, functional, and spatial information, amino acid conservation, physicochemical variation, residue mobility, and thermodynamic stability) performed at Invitae indicates that this missense variant is expected to disrupt GALNS protein function with a positive predictive value of 95%. This variant disrupts the p.Pro125 amino acid residue in GALNS. Other variant(s) that disrupt this residue have been determined to be pathogenic (PMID: 9375852, 15241807, 24035930, 30458289). This suggests that this residue is clinically significant, and that variants that disrupt this residue are likely to be disease-causing. In summary, the currently available evidence indicates that the variant is pathogenic, but additional data are needed to prove that conclusively. Therefore, this variant has been classified as Likely Pathogenic.

Literature cited by the submitters: PubMed 9375852; PubMed 15241807; PubMed 24035930; PubMed 30458289.

NM_000512.5(GALNS):c.373C>T (p.Pro125Ser)

Gene: GALNS (galactosamine (N-acetyl)-6-sulfatase; minus strand). Cytogenetic location: 16q24.3.
Variant type: single nucleotide variant.
Coding change: c.373C>T on transcript NM_000512.5 (MANE Select); coding-DNA position 373, C replaced by T.
Protein change: p.Pro125Ser; replaces proline 125 with serine.
Molecular consequence: missense variant. On other transcripts: 5 prime UTR variant (1).
Genome position (GRCh38, 1-based): chr16:88,841,041, G>A on the plus strand (C>T on the coding strand, the complement: GALNS is on the minus strand). VCF-style: chr16-88841041-G-A. GRCh37 (hg19) VCF-style: chr16-88907449-G-A.
Other names: c.-183C>T (NM_001323543.2); c.391C>T, p.Pro131Ser (NM_001323544.2); short protein forms P131S, P125S.
Identifiers: ClinVar variation 2753726 (VCV002753726.3), dbSNP rs371732068, ClinGen allele CA286406062.
Genomic context (GRCh38, chr16:88,841,041, plus strand): 5'-AGGAGACTTACCACTTGCCGACAATCTTGCTGACGTAGCCGGCCTTCTTCAGAAGCTCCG[G>A]CAGGAGCTGCTCCGAGTCTGGGATGCCGCCCACAATCTCCTGCGGTGTGTAGGCTGGAAG-3'
Protein context (NP_000503.1, residues 115-135): GGIPDSEQLL[Pro125Ser]ELLKKAGYVS